The following is an entry in ClinVar:

NM_001365536.1(SCN9A):c.238C>T (p.Pro80Ser)

Gene: SCN9A (sodium voltage-gated channel alpha subunit 9; minus strand). Cytogenetic location: 2q24.3.
Variant type: single nucleotide variant.
Coding change: c.238C>T on transcript NM_001365536.1 (MANE Select); coding-DNA position 238, C replaced by T.
Protein change: p.Pro80Ser; replaces proline 80 with serine.
Molecular consequence: missense variant.
Genome position (GRCh38, 1-based): chr2:166,311,519, G>A on the plus strand (C>T on the coding strand, the complement: SCN9A is on the minus strand). VCF-style: chr2-166311519-G-A. GRCh37 (hg19) VCF-style: chr2-167168029-G-A.
Other names: c.238C>T, p.Pro80Ser (NM_002977.4); short protein forms P80S.
Identifiers: ClinVar variation 892917 (VCV000892917.14), dbSNP rs768587771, ClinGen allele CA59810357.

ClinVar aggregate classification (germline): Uncertain significance. Review status: criteria provided, multiple submitters, no conflicts (2 of 4 stars). 5 submissions from 3 submitters: Uncertain significance (5). Last evaluated 2025-11-01.

Conditions:
Generalized epilepsy with febrile seizures plus, type 7 (GEFSP7). Also called: GEFS+, TYPE 7. Identifiers: Orphanet 36387, MedGen C2751778, MONDO:0013470, OMIM 613863.
Neuropathy, hereditary sensory and autonomic, type 2A (HSAN2A). Also called: WNK1-Related HSAN2 (HSAN2A); ACROOSTEOLYSIS, GIACCAI TYPE; ACROOSTEOLYSIS, NEUROGENIC; MORVAN DISEASE; NEUROPATHY, CONGENITAL SENSORY; NEUROPATHY, HEREDITARY SENSORY RADICULAR, AUTOSOMAL RECESSIVE. Identifiers: Orphanet 970, MedGen C2752089, MONDO:0024309, OMIM 201300.
Channelopathy-associated congenital insensitivity to pain, autosomal recessive. Also called: ASYMBOLIA FOR PAIN; Insensitivity to pain, channelopathy-associated; CONGENITAL ANALGESIA, AUTOSOMAL RECESSIVE. Identifiers: Orphanet 88642, Orphanet 970, MedGen C1855739, MONDO:0009459, OMIM 243000.
Paroxysmal extreme pain disorder (PEXPD). Also called: SCN9A Paroxysmal Extreme Pain Disorder (SCN9A-PEPD); PAIN, SUBMANDIBULAR, OCULAR, AND RECTAL, WITH FLUSHING; RECTAL PAIN, FAMILIAL. Identifiers: Orphanet 46348, MedGen C1833661, MONDO:0008179, OMIM 167400.
Primary erythromelalgia. Also called: SCN9A Erythromelalgia (SCN9A-EM); primary erythermalgia. Identifiers: Orphanet 306577, Orphanet 90026, MedGen C0014805, MONDO:0007571, OMIM 133020.

Allele frequency attached by ClinVar (database versions not stated): gnomAD exomes 0.00001; TOPMed 0.00001.
gnomAD v4.1: 21 of 1,608,188 alleles (0.0013%); highest among the groups gnomAD compares: Non-Finnish European, 0.0017%; no homozygotes.

Submissions (5):

CeGaT Center for Human Genetics Tuebingen
Classification: Uncertain significance. Last evaluated: 2025-11-01. Review status: criteria provided, single submitter. Criteria: CeGaT Center For Human Genetics Tuebingen Variant Classification Criteria Version 2. Collection method: clinical testing. Allele origin: germline. Affected: yes. Observed: 1 variant allele.
Comment: SCN9A: PM2:Supporting

Labcorp Genetics (formerly Invitae), Labcorp
Classification: Uncertain significance for Neuropathy, hereditary sensory and autonomic, type 2A; Generalized epilepsy with febrile seizures plus, type 7. Last evaluated: 2022-06-10. Review status: criteria provided, single submitter. Criteria: Invitae Variant Classification Sherloc (09022015). Collection method: clinical testing. Allele origin: germline.
Comment: In summary, the available evidence is currently insufficient to determine the role of this variant in disease. Therefore, it has been classified as a Variant of Uncertain Significance. Algorithms developed to predict the effect of missense changes on protein structure and function (SIFT, PolyPhen-2, Align-GVGD) all suggest that this variant is likely to be tolerated. ClinVar contains an entry for this variant (Variation ID: 892917). This variant has not been reported in the literature in individuals affected with SCN9A-related conditions. This variant is not present in population databases (gnomAD no frequency). This sequence change replaces proline, which is neutral and non-polar, with serine, which is neutral and polar, at codon 80 of the SCN9A protein (p.Pro80Ser).

Illumina Laboratory Services, Illumina
Classification: Uncertain significance for Primary erythromelalgia. Last evaluated: 2018-01-12. Review status: criteria provided, single submitter. Criteria: ICSL Variant Classification Criteria 13 December 2019. Collection method: clinical testing. Allele origin: germline.

Illumina Laboratory Services, Illumina
Classification: Uncertain significance for Paroxysmal extreme pain disorder. Last evaluated: 2018-01-12. Review status: criteria provided, single submitter. Criteria: ICSL Variant Classification Criteria 13 December 2019. Collection method: clinical testing. Allele origin: germline.

Illumina Laboratory Services, Illumina
Classification: Uncertain significance for Channelopathy-associated congenital insensitivity to pain, autosomal recessive. Last evaluated: 2018-01-12. Review status: criteria provided, single submitter. Criteria: ICSL Variant Classification Criteria 13 December 2019. Collection method: clinical testing. Allele origin: germline.